The following is an entry in ClinVar:

ClinVar aggregate classification (germline): Benign/Likely benign. Review status: criteria provided, multiple submitters, no conflicts (2 of 4 stars). 3 submissions from 3 submitters: Benign (2); Likely benign (1). Last evaluated 2024-04-16.

Allele frequency attached by ClinVar (database versions not stated): 1000 Genomes Project 30x 0.00156; 1000 Genomes Project 0.00120; gnomAD exomes 0.00385 and 0.00452; ESP Exome Variant Server 0.00286; gnomAD 0.00331 and 0.00336; TOPMed 0.00342; ExAC 0.00406.
gnomAD v4.1: 7,115 of 1,613,944 alleles (0.44%); highest among the groups gnomAD compares: Middle Eastern, 2.8%; 34 homozygotes.

Submissions (5):

Labcorp Genetics (formerly Invitae), Labcorp
Classification: Benign. Last evaluated: 2024-04-16. Review status: criteria provided, single submitter. Criteria: Invitae Variant Classification Sherloc (09022015). Collection method: clinical testing. Allele origin: germline.

CeGaT Center for Human Genetics Tuebingen
Classification: Likely benign. Last evaluated: 2024-01-01. Review status: criteria provided, single submitter. Criteria: CeGaT Center For Human Genetics Tuebingen Variant Classification Criteria Version 2. Collection method: clinical testing. Allele origin: germline. Affected: yes. Observed: 4 variant alleles.
Comment: LAMA3: BP4, BP7, BS2

Breakthrough Genomics
Classification: Benign. Review status: criteria provided, single submitter. Criteria: ACMG Guidelines, 2015. Collection method: not provided. Allele origin: germline. Inheritance: Autosomal recessive inheritance. Affected: yes.

Dr. Peter K. Rogan Lab, Western University
No classification provided (evidence only). Condition: Lung cancer. Review status: no classification provided. Collection method: in vitro. Allele origin: not applicable. Functional consequence: retained intron. Not counted in ClinVar's aggregate classification.

Dr. Peter K. Rogan Lab, Western University
No classification provided (evidence only). Condition: Gastric cancer. Review status: no classification provided. Collection method: in vitro. Allele origin: not applicable. Functional consequence: retained intron. Not counted in ClinVar's aggregate classification.

NM_198129.4(LAMA3):c.4110G>A (p.Glu1370=)

Gene: LAMA3 (laminin subunit alpha 3; plus strand). Cytogenetic location: 18q11.2.
Variant type: single nucleotide variant.
Coding change: c.4110G>A on transcript NM_198129.4 (MANE Select); coding-DNA position 4110, G replaced by A.
Protein change: p.Glu1370=; no amino-acid change (glutamic acid 1370 retained).
Molecular consequence: synonymous variant.
Genome position (GRCh38, 1-based): chr18:23,847,642, G>A. VCF-style: chr18-23847642-G-A. GRCh37 (hg19) VCF-style: chr18-21427606-G-A.
Other names: c.4110G>A, p.Glu1370= (NM_001127717.4).
Identifiers: ClinVar variation 771209 (VCV000771209.41), dbSNP rs112534534, ClinGen allele CA8915485.